The following is an entry in ClinVar:

NM_001868.4(CPA1):c.1057A>G (p.Ile353Val)

Gene: CPA1 (carboxypeptidase A1; plus strand). Cytogenetic location: 7q32.2.
Variant type: single nucleotide variant.
Coding change: c.1057A>G on transcript NM_001868.4 (MANE Select); coding-DNA position 1057, A replaced by G.
Protein change: p.Ile353Val; replaces isoleucine 353 with valine.
Molecular consequence: missense variant.
Genome position (GRCh38, 1-based): chr7:130,385,908, A>G. VCF-style: chr7-130385908-A-G. GRCh37 (hg19) VCF-style: chr7-130025749-A-G.
Other names: short protein forms I353V.
Identifiers: ClinVar variation 4006049 (VCV004006049.1).

ClinVar aggregate classification (germline): Uncertain significance (1 of 4 stars; one submission).

Conditions:
Hereditary pancreatitis (PCTT). Also called: Hereditary chronic pancreatitis; PRSS1-Related Hereditary Pancreatitis. Identifiers: Orphanet 676, MedGen C0238339, MONDO:0008185, OMIM 167800.

gnomAD v4.1: 1 of 1,614,098 alleles (0.000062%); no homozygotes.

Submission:

Ambry Genetics
Classification: Uncertain significance for Hereditary pancreatitis. Last evaluated: 2025-04-14. Review status: criteria provided, single submitter. Criteria: Ambry Variant Classification Scheme 2023. Collection method: clinical testing. Allele origin: germline.
Comment: The p.I353V variant (also known as c.1057A>G), located in coding exon 9 of the CPA1 gene, results from an A to G substitution at nucleotide position 1057. The isoleucine at codon 353 is replaced by valine, an amino acid with highly similar properties. This amino acid position is conserved. In addition, this alteration is predicted to be tolerated by in silico analysis. Based on the available evidence, the clinical significance of this variant remains unclear.